The following is an entry in ClinVar:

ClinVar aggregate classification (germline): Uncertain significance (1 of 4 stars; one submission).

Submission:

Labcorp Genetics (formerly Invitae), Labcorp
Classification: Uncertain significance. Last evaluated: 2022-09-15. Review status: criteria provided, single submitter. Criteria: Invitae Variant Classification Sherloc (09022015). Collection method: clinical testing. Allele origin: germline.
Comment: This sequence change replaces arginine, which is basic and polar, with isoleucine, which is neutral and non-polar, at codon 275 of the MMP9 protein (p.Arg275Ile). This variant is not present in population databases (gnomAD no frequency). This variant has not been reported in the literature in individuals affected with MMP9-related conditions. Algorithms developed to predict the effect of missense changes on protein structure and function (SIFT, PolyPhen-2, Align-GVGD) all suggest that this variant is likely to be tolerated. Algorithms developed to predict the effect of sequence changes on RNA splicing suggest that this variant may create or strengthen a splice site. In summary, the available evidence is currently insufficient to determine the role of this variant in disease. Therefore, it has been classified as a Variant of Uncertain Significance.

NM_004994.3(MMP9):c.824G>T (p.Arg275Ile)

Gene: MMP9 (matrix metallopeptidase 9; plus strand). Cytogenetic location: 20q13.12.
Variant type: single nucleotide variant.
Coding change: c.824G>T on transcript NM_004994.3 (MANE Select); coding-DNA position 824, G replaced by T.
Protein change: p.Arg275Ile; replaces arginine 275 with isoleucine.
Molecular consequence: missense variant.
Genome position (GRCh38, 1-based): chr20:46,011,574, G>T. VCF-style: chr20-46011574-G-T. GRCh37 (hg19) VCF-style: chr20-44640213-G-T.
Other names: short protein forms R275I.
Identifiers: ClinVar variation 1951959 (VCV001951959.5), dbSNP rs1004812364, ClinGen allele CA409214404.